The following is an entry in ClinVar:

NM_001134407.3(GRIN2A):c.3571T>G (p.Phe1191Val)

Gene: GRIN2A (glutamate ionotropic receptor NMDA type subunit 2A; minus strand). Cytogenetic location: 16p13.2.
Variant type: single nucleotide variant.
Coding change: c.3571T>G on transcript NM_001134407.3 (MANE Select); coding-DNA position 3571, T replaced by G.
Protein change: p.Phe1191Val; replaces phenylalanine 1191 with valine.
Molecular consequence: missense variant.
Genome position (GRCh38, 1-based): chr16:9,763,973, A>C on the plus strand (T>G on the coding strand, the complement: GRIN2A is on the minus strand). VCF-style: chr16-9763973-A-C. GRCh37 (hg19) VCF-style: chr16-9857830-A-C.
Other names: p.F1191V:TTC>GTC; c.3571T>G, p.Phe1191Val (NM_000833.5, NM_001134408.2); short protein forms F1191V.
Identifiers: ClinVar variation 205674 (VCV000205674.7), dbSNP rs562833714, ClinGen allele CA314980.

ClinVar aggregate classification (germline): Conflicting classifications of pathogenicity. Review status: criteria provided, conflicting classifications (1 of 4 stars). 2 submissions from 2 submitters: Uncertain significance (1); Likely benign (1). Last evaluated 2025-03-10.

Conditions:
Landau-Kleffner syndrome (FESD). Also called: APHASIA, ACQUIRED, WITH EPILEPSY; EPILEPSY, FOCAL, WITH SPEECH DISORDER AND WITH OR WITHOUT MENTAL RETARDATION. Identifiers: Orphanet 1945, Orphanet 725, Orphanet 98818, MedGen C0282512, MONDO:0009509, OMIM 245570.

Allele frequency attached by ClinVar (database versions not stated): gnomAD below 0.00001 and 0.00001; gnomAD exomes below 0.00001; TOPMed below 0.00001; ExAC 0.00001; 1000 Genomes Project 30x 0.00016; 1000 Genomes Project 0.00020.
gnomAD v4.1: 3 of 1,614,098 alleles (0.00019%); highest among the groups gnomAD compares: South Asian, 0.0022%; no homozygotes.

Submissions (2):

Labcorp Genetics (formerly Invitae), Labcorp
Classification: Likely benign for Landau-Kleffner syndrome. Last evaluated: 2025-03-10. Review status: criteria provided, single submitter. Criteria: Invitae Variant Classification Sherloc (09022015). Collection method: clinical testing. Allele origin: germline.

GeneDx
Classification: Uncertain significance. Last evaluated: 2014-01-28. Review status: criteria provided, single submitter. Criteria: GeneDx Variant Classification (06012015). Collection method: clinical testing. Allele origin: germline. Affected: yes.
Comment: p.F1191V (TTC>GTC): c.3571T>G in the GRIN2A gene (NM_000833.3). The Phe1191Val missense change in the GRIN2A gene has not been published as a mutation, nor has it been reported as a benign polymorphism to our knowledge. It was not observed in approximately 6,500 individuals of European and African American ancestry in the NHLBI Exome Sequencing Project, indicating it is not a common benign variant in these populations. This variant is a conservative substitution of one uncharged, non-polar amino acid for another at a position that is conserved in mammals but is not conserved in more distantly related species. In silico analysis predicts this variant likely has a benign effect on the protein structure/function. Therefore, based on the currently available information, it is unclear whether Phe1191Val is a disease-causing mutation or a rare benign variant. The variant is found in EPILEPSY panel(s).